The following is an entry in ClinVar:

NM_201378.4(PLEC):c.71-11770_71-11766delinsCTCGT

Gene: PLEC (plectin; minus strand). Cytogenetic location: 8q24.3.
Variant type: Indel.
Coding change: c.71-11770_71-11766delinsCTCGT on transcript NM_201378.4 (MANE Plus Clinical); 11770 bases into the intron before coding-DNA position 71 through 11766 bases into the intron before coding-DNA position 71, TCCGC replaced by CTCGT.
Molecular consequence: intron variant. On other transcripts: missense variant (1).
Genome position (GRCh38, 1-based): chr8:143,950,458-143,950,462, GCGGA replaced by ACGAG on the plus strand (TCCGC replaced by CTCGT on the coding strand, the reverse complement: PLEC is on the minus strand). VCF-style: chr8-143950458-GCGGA-ACGAG. GRCh37 (hg19) VCF-style: chr8-145024626-GCGGA-ACGAG.
Other names: c.245_249delinsCTCGT, p.Leu82Pro (NM_201380.4); c.194-11770_194-11766delinsCTCGT (NM_001410941.1, NM_000445.5); c.46+3264_46+3268delinsCTCGT (NM_201379.3); short protein forms L82P.
Identifiers: ClinVar variation 4994310 (VCV004994310.1).

ClinVar aggregate classification (germline): Uncertain significance (1 of 4 stars; one submission).

Conditions:
PLEC-related disorder. Also called: PLEC-related condition; PLEC-related disorders.

Submission:

PreventionGenetics, part of Exact Sciences
Classification: Uncertain significance for PLEC-related condition. Last evaluated: 2026-06-28. Review status: criteria provided, single submitter. Criteria: ACMG Guidelines, 2015. Collection method: clinical testing. Allele origin: germline.
Comment: The PLEC c.245_249delinsCTCGT variant is predicted to result in an in-frame deletion and insertion. To our knowledge, this variant has not been reported in the literature or in a large population database (gnomAD), indicating this variant is rare. At this time, the clinical significance of this variant is uncertain due to the absence of conclusive functional and genetic evidence.